The following is an entry in ClinVar:

ClinVar aggregate classification (germline): Uncertain significance (1 of 4 stars; one submission).

Conditions:
Cardiovascular phenotype. Identifiers: MedGen CN230736.
Hereditary cancer-predisposing syndrome. Also called: Tumor predisposition; Hereditary neoplastic syndrome; Neoplastic Syndromes, Hereditary; Hereditary Cancer Syndrome. Identifiers: Orphanet 140162, MedGen C0027672, MeSH D009386, MONDO:0015356.

gnomAD v4.1: 1 of 1,614,120 alleles (0.000062%); no homozygotes.

Submission:

Ambry Genetics
Classification: Uncertain significance for Cardiovascular phenotype; Hereditary cancer-predisposing syndrome. Last evaluated: 2025-05-31. Review status: criteria provided, single submitter. Criteria: Ambry Variant Classification Scheme 2023. Collection method: clinical testing. Allele origin: germline.
Comment: The p.A308S variant (also known as c.922G>T), located in coding exon 9 of the NF1 gene, results from a G to T substitution at nucleotide position 922. The alanine at codon 308 is replaced by serine, an amino acid with similar properties. This amino acid position is conserved. In addition, this alteration is predicted to be tolerated by in silico analysis. Based on the available evidence, the clinical significance of this variant remains unclear.

NM_001042492.3(NF1):c.922G>T (p.Ala308Ser)

Gene: NF1 (neurofibromin 1; plus strand). Cytogenetic location: 17q11.2.
Variant type: single nucleotide variant.
Coding change: c.922G>T on transcript NM_001042492.3 (MANE Select); coding-DNA position 922, G replaced by T.
Protein change: p.Ala308Ser; replaces alanine 308 with serine.
Molecular consequence: missense variant.
Genome position (GRCh38, 1-based): chr17:31,200,455, G>T. VCF-style: chr17-31200455-G-T. GRCh37 (hg19) VCF-style: chr17-29527473-G-T.
Other names: c.922G>T, p.Ala308Ser (NM_000267.4, NM_001128147.3); short protein forms A308S.
Identifiers: ClinVar variation 4005630 (VCV004005630.1).